The following is an entry in ClinVar:

NM_014874.4(MFN2):c.1121T>G (p.Leu374Arg)

Gene: MFN2 (mitofusin 2; plus strand). Cytogenetic location: 1p36.22.
Variant type: single nucleotide variant.
Coding change: c.1121T>G on transcript NM_014874.4 (MANE Select); coding-DNA position 1121, T replaced by G.
Protein change: p.Leu374Arg; replaces leucine 374 with arginine.
Molecular consequence: missense variant.
Genome position (GRCh38, 1-based): chr1:12,002,064, T>G. VCF-style: chr1-12002064-T-G. GRCh37 (hg19) VCF-style: chr1-12062121-T-G.
Other names: c.1121T>G, p.Leu374Arg (NM_001127660.2); short protein forms L374R.
Identifiers: ClinVar variation 2745943 (VCV002745943.3), dbSNP rs1423799732, ClinGen allele CA338443126.

ClinVar aggregate classification (germline): Uncertain significance (1 of 4 stars; one submission).

Conditions:
Charcot-Marie-Tooth disease type 2. Also called: Charcot-Marie-Tooth type 2. Identifiers: Orphanet 64746, MedGen C0270914, MONDO:0018993.

Allele frequency attached by ClinVar (database versions not stated): gnomAD exomes below 0.00001; TOPMed 0.00001.

Submission:

Labcorp Genetics (formerly Invitae), Labcorp
Classification: Uncertain significance for Charcot-Marie-Tooth disease type 2. Last evaluated: 2023-07-22. Review status: criteria provided, single submitter. Criteria: Invitae Variant Classification Sherloc (09022015). Collection method: clinical testing. Allele origin: germline.
Comment: This variant has not been reported in the literature in individuals affected with MFN2-related conditions. This sequence change replaces leucine, which is neutral and non-polar, with arginine, which is basic and polar, at codon 374 of the MFN2 protein (p.Leu374Arg). This variant is not present in population databases (gnomAD no frequency). Advanced modeling of protein sequence and biophysical properties (such as structural, functional, and spatial information, amino acid conservation, physicochemical variation, residue mobility, and thermodynamic stability) performed at Invitae indicates that this missense variant is not expected to disrupt MFN2 protein function. In summary, the available evidence is currently insufficient to determine the role of this variant in disease. Therefore, it has been classified as a Variant of Uncertain Significance.